The following is an entry in ClinVar:

ClinVar aggregate classification (germline): Uncertain significance (1 of 4 stars; one submission).

Conditions:
Intellectual developmental disorder, autosomal dominant 30, with speech delay and behavioral abnormalities. Also called: Intellectual disability, autosomal dominant 30. Identifiers: Orphanet 436151, MedGen C4015167, MONDO:0014486, OMIM 616083.

Allele frequency attached by ClinVar (database versions not stated): gnomAD exomes below 0.00001.
gnomAD v4.1: 1 of 1,614,186 alleles (0.000062%); highest among the groups gnomAD compares: African/African-American, 0.0013%; no homozygotes.

Submission:

Baylor Genetics
Classification: Uncertain significance for Intellectual developmental disorder, autosomal dominant 30, with speech delay and behavioral abnormalities. Last evaluated: 2019-12-20. Review status: criteria provided, single submitter. Criteria: ACMG Guidelines, 2015. Collection method: clinical testing. Allele origin: unknown. Affected: yes.
Comment: This variant was determined to be of uncertain significance according to ACMG Guidelines, 2015 [PMID:25741868].

NM_001370100.5(ZMYND11):c.1368G>A (p.Gln456=)

Genes: ZMYND11 (zinc finger MYND-type containing 11; plus strand), LOC126860802 (BRD4-independent group 4 enhancer GRCh37_chr10:294268-295467; plus strand). Cytogenetic location: 10p15.3.
Variant type: single nucleotide variant.
Coding change: c.1368G>A on transcript NM_001370100.5 (MANE Select); coding-DNA position 1368, G replaced by A.
Protein change: p.Gln456=; no amino-acid change (glutamine 456 retained).
Molecular consequence: synonymous variant. On other transcripts: non-coding transcript variant (1).
Genome position (GRCh38, 1-based): chr10:248,476, G>A. VCF-style: chr10-248476-G-A. GRCh37 (hg19) VCF-style: chr10-294416-G-A.
Other names: c.1206G>A, p.Gln402= (NM_001202464.3, NM_001202467.1, NM_001370103.2 and 6 more transcripts); c.1113G>A, p.Gln371= (NM_001202465.3, NM_001370110.2); c.1203G>A, p.Gln401= (NM_001202466.3, NM_001370111.2); c.1368G>A, p.Gln456= (NM_001202468.1, NM_001370097.3, NM_001370098.2 and 4 more transcripts); c.1317G>A, p.Gln439= (NM_001330057.3, NM_001370112.2); c.1275G>A, p.Gln425= (NM_001370113.2, NM_001370114.2); c.1365G>A, p.Gln455= (NM_001370115.2, NM_212479.4); c.1302G>A, p.Gln434= (NM_001370116.2); and 8 more.
Identifiers: ClinVar variation 1029065 (VCV001029065.1), dbSNP rs1952640750, ClinGen allele CA468163361.
Genomic context (GRCh38, chr10:248,476, plus strand): 5'-GTCAACTCAGACAAAGAAGTTAAGTGCCTCTTCACCAAGAATGCTGCATCGGAGCACCCA[G>A]ACCACAAACGACGGCGTGTGTCAGAGCATGTGCCATGACAAATACACCAAGATCTTCAAT-3'
Protein context (NP_001357029.1, residues 446-466): SSPRMLHRST[Gln456=]TTNDGVCQSM